The following is an entry in ClinVar:

ClinVar aggregate classification (germline): Likely pathogenic (1 of 4 stars; one submission).

Conditions:
Autosomal recessive limb-girdle muscular dystrophy type 2I. Also called: MUSCULAR DYSTROPHY-DYSTROGLYCANOPATHY (LIMB-GIRDLE), TYPE C, 5; MUSCULAR DYSTROPHY, LIMB-GIRDLE, TYPE 2I; MUSCULAR DYSTROPHY-DYSTROGLYCANOPATHY, LIMB-GIRDLE, FRKP-RELATED. Identifiers: Orphanet 34515, MedGen C1846672, MONDO:0011787, OMIM 607155.

Submission:

Natera, Inc.
Classification: Likely pathogenic for Limb-girdle muscular dystrophy type 2I. Last evaluated: 2025-02-11. Review status: criteria provided, single submitter. Criteria: Natera Variant Classification Schema (03/2026). Collection method: clinical testing. Allele origin: germline.
Comment: The c.1408G>T variant in FKRP is a nonsense variant predicted to introduce a stop codon at amino acid 470. This variant is expected to result in nonsense mediated decay, truncation, or a dysfunctional protein product. This variant is rare in the general population with a frequency below the threshold expected for the associated phenotype(s). Given the available evidence, this variant is classified as Likely Pathogenic.

NM_024301.5(FKRP):c.1408G>T (p.Glu470Ter)

Gene: FKRP (fukutin related protein; plus strand). Cytogenetic location: 19q13.32.
Variant type: single nucleotide variant.
Coding change: c.1408G>T on transcript NM_024301.5 (MANE Select); coding-DNA position 1408, G replaced by T.
Protein change: p.Glu470Ter; replaces glutamic acid 470 with a stop codon.
Molecular consequence: nonsense.
Genome position (GRCh38, 1-based): chr19:46,756,858, G>T. VCF-style: chr19-46756858-G-T. GRCh37 (hg19) VCF-style: chr19-47260115-G-T.
Other names: c.1408G>T, p.Glu470Ter (NM_001039885.3); short protein forms E470*.
Identifiers: ClinVar variation 4068107 (VCV004068107.2).